The following is an entry in ClinVar:

ClinVar aggregate classification (germline): Uncertain significance. Review status: criteria provided, multiple submitters, no conflicts (2 of 4 stars). 3 submissions from 3 submitters: Uncertain significance (3). Last evaluated 2026-01-30.

Conditions:
Alagille syndrome due to a JAG1 point mutation. Also called: JAG1-Related Alagille Syndrome; HEPATIC DUCTULAR HYPOPLASIA, SYNDROMATIC; Alagille Syndrome 1. Identifiers: Orphanet 261619, Orphanet 52, MedGen C1956125, MONDO:0016862, OMIM 118450.

gnomAD v4.1: 2 of 1,602,796 alleles (0.00012%); highest among the groups gnomAD compares: Non-Finnish European, 0.00017%; no homozygotes.

Submissions (3):

Dasa
Classification: Uncertain significance. Last evaluated: 2026-01-30. Review status: criteria provided, single submitter. Criteria: DASA Assertion Criteria. Collection method: clinical testing. Allele origin: germline.
Comment: NM_000214.3(JAG1):c.2465A>G (p.Asn822Ser) is a missense variant that results in the substitution of asparagine with serine. This variant is rare in population databases. The currently available literature and clinical evidence are not sufficient to establish a definitive association between this variant and the reported condition. Therefore, this variant is classified as a variant of uncertain significance.

Labcorp Genetics (formerly Invitae), Labcorp
Classification: Uncertain significance for Alagille syndrome due to a JAG1 point mutation. Last evaluated: 2024-04-09. Review status: criteria provided, single submitter. Criteria: Invitae Variant Classification Sherloc (09022015). Collection method: clinical testing. Allele origin: germline.
Comment: This sequence change replaces asparagine, which is neutral and polar, with serine, which is neutral and polar, at codon 822 of the JAG1 protein (p.Asn822Ser). This variant is not present in population databases (gnomAD no frequency). This variant has not been reported in the literature in individuals affected with JAG1-related conditions. Advanced modeling of protein sequence and biophysical properties (such as structural, functional, and spatial information, amino acid conservation, physicochemical variation, residue mobility, and thermodynamic stability) has been performed at Invitae for this missense variant, however the output from this modeling did not meet the statistical confidence thresholds required to predict the impact of this variant on JAG1 protein function. In summary, the available evidence is currently insufficient to determine the role of this variant in disease. Therefore, it has been classified as a Variant of Uncertain Significance.

Blueprint Genetics
Classification: Uncertain significance. Last evaluated: 2022-02-10. Review status: criteria provided, single submitter. Criteria: ACMG Guidelines, 2015. Collection method: clinical testing. Allele origin: germline.

NM_000214.3(JAG1):c.2465A>G (p.Asn822Ser)

Gene: JAG1 (jagged canonical Notch ligand 1; minus strand). Cytogenetic location: 20p12.2.
Variant type: single nucleotide variant.
Coding change: c.2465A>G on transcript NM_000214.3 (MANE Select); coding-DNA position 2465, A replaced by G.
Protein change: p.Asn822Ser; replaces asparagine 822 with serine.
Molecular consequence: missense variant.
Genome position (GRCh38, 1-based): chr20:10,642,595, T>C on the plus strand (A>G on the coding strand, the complement: JAG1 is on the minus strand). VCF-style: chr20-10642595-T-C. GRCh37 (hg19) VCF-style: chr20-10623243-T-C.
Other names: short protein forms N822S.
Identifiers: ClinVar variation 3666828 (VCV003666828.5).